The following is an entry in ClinVar:

NM_004168.4(SDHA):c.1159G>A (p.Ala387Thr)

Gene: SDHA (succinate dehydrogenase complex flavoprotein subunit A; plus strand). Cytogenetic location: 5p15.33.
Variant type: single nucleotide variant.
Coding change: c.1159G>A on transcript NM_004168.4 (MANE Select); coding-DNA position 1159, G replaced by A.
Protein change: p.Ala387Thr; replaces alanine 387 with threonine.
Molecular consequence: missense variant.
Genome position (GRCh38, 1-based): chr5:235,238, G>A. VCF-style: chr5-235238-G-A. GRCh37 (hg19) VCF-style: chr5-235353-G-A.
Other names: c.1015G>A, p.Ala339Thr (NM_001294332.2); c.1159G>A, p.Ala387Thr (NM_001330758.2); c.1159G>A (NM_004168.2); short protein forms A339T, A387T.
Identifiers: ClinVar variation 1419142 (VCV001419142.7), dbSNP rs2126584893, ClinGen allele CA359013570.
Genomic context (GRCh38, chr5:235,238, plus strand): 5'-CAGCTGCACCACCTACCTCCAGAGCAGCTGGCCACGCGCCTGCCTGGCATTTCAGAGACA[G>A]CCATGATCTTCGCTGGCGTGGACGTCACGAAGGAGCCGATCCCTGTCCTCCCCACCGTGC-3'
Protein context (NP_004159.2, residues 377-397): ATRLPGISET[Ala387Thr]MIFAGVDVTK

ClinVar aggregate classification (germline): Uncertain significance. Review status: criteria provided, multiple submitters, no conflicts (2 of 4 stars). 2 submissions from 2 submitters: Uncertain significance (2). Last evaluated 2023-12-20.

Conditions:
Mitochondrial complex II deficiency, nuclear type 1. Also called: SUCCINATE CoQ REDUCTASE DEFICIENCY. Identifiers: Orphanet 3208, MedGen C5700310, MONDO:0100294, OMIM 252011.
Pheochromocytoma/paraganglioma syndrome 5. Also called: Paragangliomas 5; SDHA-Related Hereditary Paraganglioma-Pheochromocytoma Syndrome. Identifiers: Orphanet 29072, MedGen C3279992, MONDO:0013602, OMIM 614165.
Hereditary cancer-predisposing syndrome. Also called: Tumor predisposition; Hereditary Cancer Syndrome; Hereditary neoplastic syndrome; Neoplastic Syndromes, Hereditary. Identifiers: Orphanet 140162, MedGen C0027672, MeSH D009386, MONDO:0015356.

Allele frequency attached by ClinVar (database versions not stated): gnomAD exomes below 0.00001.
gnomAD v4.1: 1 of 1,614,062 alleles (0.000062%); highest among the groups gnomAD compares: South Asian, 0.0011%; no homozygotes.

Submissions (2):

Ambry Genetics
Classification: Uncertain significance for Hereditary cancer-predisposing syndrome. Last evaluated: 2023-12-20. Review status: criteria provided, single submitter. Criteria: Ambry Variant Classification Scheme 2023. Collection method: clinical testing. Allele origin: germline.
Comment: The p.A387T variant (also known as c.1159G>A), located in coding exon 9 of the SDHA gene, results from a G to A substitution at nucleotide position 1159. The alanine at codon 387 is replaced by threonine, an amino acid with similar properties. This amino acid position is conserved. In addition, this alteration is predicted to be deleterious by in silico analysis. Since supporting evidence is limited at this time, the clinical significance of this alteration remains unclear.

Labcorp Genetics (formerly Invitae), Labcorp
Classification: Uncertain significance for Pheochromocytoma/paraganglioma syndrome 5; Mitochondrial complex II deficiency, nuclear type 1. Last evaluated: 2021-11-14. Review status: criteria provided, single submitter. Criteria: Invitae Variant Classification Sherloc (09022015). Collection method: clinical testing. Allele origin: germline.
Comment: This sequence change replaces alanine, which is neutral and non-polar, with threonine, which is neutral and polar, at codon 387 of the SDHA protein (p.Ala387Thr). This variant is not present in population databases (gnomAD no frequency). This variant has not been reported in the literature in individuals affected with SDHA-related conditions. Advanced modeling of protein sequence and biophysical properties (such as structural, functional, and spatial information, amino acid conservation, physicochemical variation, residue mobility, and thermodynamic stability) performed at Invitae indicates that this missense variant is not expected to disrupt SDHA protein function. In summary, the available evidence is currently insufficient to determine the role of this variant in disease. Therefore, it has been classified as a Variant of Uncertain Significance.